The following is an entry in ClinVar:

ClinVar aggregate classification (germline): Uncertain significance. Review status: criteria provided, multiple submitters, no conflicts (2 of 4 stars). 3 submissions from 3 submitters: Uncertain significance (3). Last evaluated 2024-08-01.

Conditions:
Inborn genetic diseases. Identifiers: MedGen C0950123, MeSH D030342.

Allele frequency attached by ClinVar (database versions not stated): gnomAD exomes 0.00002; TOPMed 0.00002; gnomAD 0.00003; ExAC 0.00004.
gnomAD v4.1: 42 of 1,613,996 alleles (0.0026%); highest among the groups gnomAD compares: Middle Eastern, 0.033%; no homozygotes.

Submissions (3):

CeGaT Center for Human Genetics Tuebingen
Classification: Uncertain significance. Last evaluated: 2024-08-01. Review status: criteria provided, single submitter. Criteria: CeGaT Center For Human Genetics Tuebingen Variant Classification Criteria Version 2. Collection method: clinical testing. Allele origin: germline. Affected: yes. Observed: 1 variant allele.
Comment: MYBPC1: PM2, BP4

Ambry Genetics
Classification: Uncertain significance for Inborn genetic diseases. Last evaluated: 2023-02-22. Review status: criteria provided, single submitter. Criteria: Ambry Variant Classification Scheme 2023. Collection method: clinical testing. Allele origin: germline.

Revvity Omics, Revvity
Classification: Uncertain significance. Last evaluated: 2023-01-17. Review status: criteria provided, single submitter. Criteria: ACMG Guidelines, 2015. Collection method: clinical testing. Allele origin: germline.

NM_002465.4(MYBPC1):c.217G>A (p.Ala73Thr)

Gene: MYBPC1 (myosin binding protein C1; plus strand). Cytogenetic location: 12q23.2.
Variant type: single nucleotide variant.
Coding change: c.217G>A on transcript NM_002465.4 (MANE Select); coding-DNA position 217, G replaced by A.
Protein change: p.Ala73Thr; replaces alanine 73 with threonine.
Molecular consequence: missense variant.
Genome position (GRCh38, 1-based): chr12:101,629,472, G>A. VCF-style: chr12-101629472-G-A. GRCh37 (hg19) VCF-style: chr12-102023250-G-A.
Other names: c.142G>A, p.Ala48Thr (NM_001254718.3, NM_001254719.3, NM_001254721.3 and 4 more transcripts); c.106G>A, p.Ala36Thr (NM_001254720.3); c.64G>A, p.Ala22Thr (NM_001254722.3, NM_001404677.1, NM_001404679.1 and 2 more transcripts); c.103G>A, p.Ala35Thr (NM_001254723.3); c.217G>A, p.Ala73Thr (NM_001404675.1, NM_206819.4); c.217G>A (NM_002465.2); short protein forms A22T, A35T, A36T, A48T, A73T.
Identifiers: ClinVar variation 2433861 (VCV002433861.21), dbSNP rs759342445, ClinGen allele CA6744451.
Genomic context (GRCh38, chr12:101,629,472, plus strand): 5'-TTTCCTCCTTTCTGCTCATCAGACTGGACCCTTGTCGAAACTCCTCCTGGGGAGGAACAA[G>A]CCAAGCAGAATGCCAACTCCCAGCTGTCCATCTTGTTCATTGAAAAACCTCAAGGAGGAA-3'
Protein context (NP_002456.2, residues 63-83): LVETPPGEEQ[Ala73Thr]KQNANSQLSI